The following is an entry in ClinVar:

NM_018206.6(VPS35):c.2350C>A (p.Pro784Thr)

Gene: VPS35 (VPS35 retromer complex component; minus strand). Cytogenetic location: 16q11.2.
Variant type: single nucleotide variant.
Coding change: c.2350C>A on transcript NM_018206.6 (MANE Select); coding-DNA position 2350, C replaced by A.
Protein change: p.Pro784Thr; replaces proline 784 with threonine.
Molecular consequence: missense variant.
Genome position (GRCh38, 1-based): chr16:46,660,513, G>T on the plus strand (C>A on the coding strand, the complement: VPS35 is on the minus strand). VCF-style: chr16-46660513-G-T. GRCh37 (hg19) VCF-style: chr16-46694425-G-T.
Other names: short protein forms P784T.
Identifiers: ClinVar variation 947902 (VCV000947902.9), dbSNP rs1965895979, ClinGen allele CA395801849.

ClinVar aggregate classification (germline): Uncertain significance (1 of 4 stars; one submission).

Conditions:
Parkinson disease 17 (PARK17). Also called: VPS35-Related Parkinson Disease. Identifiers: Orphanet 411602, MedGen C3280133, MONDO:0013625, OMIM 614203.

Submission:

Labcorp Genetics (formerly Invitae), Labcorp
Classification: Uncertain significance for Parkinson disease 17. Last evaluated: 2022-07-19. Review status: criteria provided, single submitter. Criteria: Invitae Variant Classification Sherloc (09022015). Collection method: clinical testing. Allele origin: germline.
Comment: In summary, the available evidence is currently insufficient to determine the role of this variant in disease. Therefore, it has been classified as a Variant of Uncertain Significance. Algorithms developed to predict the effect of missense changes on protein structure and function (SIFT, PolyPhen-2, Align-GVGD) all suggest that this variant is likely to be tolerated. ClinVar contains an entry for this variant (Variation ID: 947902). This variant has not been reported in the literature in individuals affected with VPS35-related conditions. This variant is not present in population databases (gnomAD no frequency). This sequence change replaces proline, which is neutral and non-polar, with threonine, which is neutral and polar, at codon 784 of the VPS35 protein (p.Pro784Thr).